The following is an entry in ClinVar:

NM_000540.3(RYR1):c.5021C>T (p.Ala1674Val)

Gene: RYR1 (ryanodine receptor 1; plus strand). Cytogenetic location: 19q13.2.
Variant type: single nucleotide variant.
Coding change: c.5021C>T on transcript NM_000540.3 (MANE Select); coding-DNA position 5021, C replaced by T.
Protein change: p.Ala1674Val; replaces alanine 1674 with valine.
Molecular consequence: missense variant.
Genome position (GRCh38, 1-based): chr19:38,485,676, C>T. VCF-style: chr19-38485676-C-T. GRCh37 (hg19) VCF-style: chr19-38976316-C-T.
Other names: c.5021C>T (NM_000540.2); c.5021C>T, p.Ala1674Val (NM_001042723.2); short protein forms A1674V.
Identifiers: ClinVar variation 1351765 (VCV001351765.9), dbSNP rs1026509467, ClinGen allele CA308092930.
Genomic context (GRCh38, chr19:38,485,676, plus strand): 5'-AGCGCCTGGACCTGCAGCGCTTCCACTCGCACACCCTGCGCCTCTACCGCGCTGTGTGCG[C>T]CCTGGGCAACAATCGCGTGGCGCACGCTCTGTGCAGCCACGTAGACCAAGCTCAGCTGCT-3'
Protein context (NP_000531.2, residues 1664-1684): HTLRLYRAVC[Ala1674Val]LGNNRVAHAL

ClinVar aggregate classification (germline): Uncertain significance. Review status: criteria provided, multiple submitters, no conflicts (2 of 4 stars). 2 submissions from 2 submitters: Uncertain significance (2). Last evaluated 2025-10-07.

Conditions:
RYR1-related disorder. Also called: RYR1-related condition; RYR1-related disorders. Identifiers: MedGen CN239331.

Allele frequency attached by ClinVar (database versions not stated): gnomAD 0.00001 and 0.00002; TOPMed 0.00002.
gnomAD v4.1: 6 of 1,610,816 alleles (0.00037%); highest among the groups gnomAD compares: Non-Finnish European, 0.00034%; no homozygotes.

Submissions (2):

Labcorp Genetics (formerly Invitae), Labcorp
Classification: Uncertain significance for RYR1-related disorder. Last evaluated: 2025-10-07. Review status: criteria provided, single submitter. Criteria: Invitae Variant Classification Sherloc (09022015). Collection method: clinical testing. Allele origin: germline.
Comment: This sequence change replaces alanine, which is neutral and non-polar, with valine, which is neutral and non-polar, at codon 1674 of the RYR1 protein (p.Ala1674Val). This variant is not present in population databases (gnomAD no frequency). This variant has not been reported in the literature in individuals affected with RYR1-related conditions. ClinVar contains an entry for this variant (Variation ID: 1351765). Invitae Evidence Modeling of protein sequence and biophysical properties (such as structural, functional, and spatial information, amino acid conservation, physicochemical variation, residue mobility, and thermodynamic stability) has been performed for this missense variant. However, the output from this modeling did not meet the statistical confidence thresholds required to predict the impact of this variant on RYR1 protein function. In summary, the available evidence is currently insufficient to determine the role of this variant in disease. Therefore, it has been classified as a Variant of Uncertain Significance.

Revvity Omics, Revvity
Classification: Uncertain significance. Last evaluated: 2020-10-30. Review status: criteria provided, single submitter. Criteria: ACMG Guidelines, 2015. Collection method: clinical testing. Allele origin: germline.